The following is an entry in ClinVar:

ClinVar aggregate classification (germline): Uncertain significance (1 of 4 stars; one submission).

Conditions:
Hereditary breast ovarian cancer syndrome. Also called: Hereditary breast and ovarian cancer; Hereditary breast and ovarian cancer syndrome (HBOC); Hereditary breast and ovarian cancer syndrome; BRCA1- and BRCA2-Associated Hereditary Breast and Ovarian Cancer; Hereditary breast and/or ovarian cancer syndrome; Breast and ovarian cancer. Identifiers: Orphanet 145, MedGen C0677776, MeSH D061325, MONDO:0003582. Disease mechanism: loss of function.

Submission:

Labcorp Genetics (formerly Invitae), Labcorp
Classification: Uncertain significance for Hereditary breast ovarian cancer syndrome. Last evaluated: 2024-06-30. Review status: criteria provided, single submitter. Criteria: Invitae Variant Classification Sherloc (09022015). Collection method: clinical testing. Allele origin: germline.
Comment: This sequence change replaces proline, which is neutral and non-polar, with threonine, which is neutral and polar, at codon 3243 of the BRCA2 protein (p.Pro3243Thr). This variant is not present in population databases (gnomAD no frequency). This variant has not been reported in the literature in individuals affected with BRCA2-related conditions. ClinVar contains an entry for this variant (Variation ID: 1027012). Advanced modeling of protein sequence and biophysical properties (such as structural, functional, and spatial information, amino acid conservation, physicochemical variation, residue mobility, and thermodynamic stability) performed at Invitae indicates that this missense variant is not expected to disrupt BRCA2 protein function with a negative predictive value of 95%. In summary, the available evidence is currently insufficient to determine the role of this variant in disease. Therefore, it has been classified as a Variant of Uncertain Significance.

NM_000059.4(BRCA2):c.9727C>A (p.Pro3243Thr)

Gene: BRCA2 (BRCA2 DNA repair associated; plus strand). Cytogenetic location: 13q13.1.
Variant type: single nucleotide variant.
Coding change: c.9727C>A on transcript NM_000059.4 (MANE Select); coding-DNA position 9727, C replaced by A.
Protein change: p.Pro3243Thr; replaces proline 3243 with threonine.
Molecular consequence: missense variant.
Genome position (GRCh38, 1-based): chr13:32,398,240, C>A. VCF-style: chr13-32398240-C-A. GRCh37 (hg19) VCF-style: chr13-32972377-C-A.
Other names: short protein forms P3243T.
Identifiers: ClinVar variation 1027012 (VCV001027012.7), dbSNP rs1566260898, ClinGen allele CA387765499.
Genomic context (GRCh38, chr13:32,398,240, plus strand): 5'-GAGATATATTATCAAAGTCCTTTATCACTTTGTATGGCCAAAAGGAAGTCTGTTTCCACA[C>A]CTGTCTCAGCCCAGATGACTTCAAAGTCTTGTAAAGGGGAGAAAGAGATTGATGACCAAA-3'
Protein context (NP_000050.3, residues 3233-3253): CMAKRKSVST[Pro3243Thr]VSAQMTSKSC